The following is an entry in ClinVar:

NM_175940.3(DUOX1):c.143-3C>A

Gene: DUOX1 (dual oxidase 1; plus strand). Cytogenetic location: 15q21.1.
Variant type: single nucleotide variant.
Coding change: c.143-3C>A on transcript NM_175940.3 (MANE Select); 3 bases into the intron before coding-DNA position 143, C replaced by A.
Molecular consequence: intron variant.
Genome position (GRCh38, 1-based): chr15:45,134,142, C>A. VCF-style: chr15-45134142-C-A. GRCh37 (hg19) VCF-style: chr15-45426340-C-A.
Other names: NC_000015.9:g.45426340C>A; c.143-3C>A (NM_017434.5).
Identifiers: ClinVar variation 3038463 (VCV003038463.3), dbSNP rs200905024, ClinGen allele CA7540050.

ClinVar aggregate classification (germline): Likely benign (0 of 4 stars; one submission).

Conditions:
DUOX1-related disorder. Also called: DUOX1-related condition.

Allele frequency attached by ClinVar (database versions not stated): gnomAD exomes 0.00007; ExAC 0.00035; ESP Exome Variant Server 0.00039; gnomAD 0.00069; TOPMed 0.00085; 1000 Genomes Project 0.00140; 1000 Genomes Project 30x 0.00172.

Submissions (2):

PreventionGenetics, part of Exact Sciences
Classification: Likely benign for DUOX1-related condition. Last evaluated: 2022-12-27. Review status: no assertion criteria provided. Collection method: clinical testing. Allele origin: germline.
Comment: This variant is classified as likely benign based on ACMG/AMP sequence variant interpretation guidelines (Richards et al. 2015 PMID: 25741868, with internal and published modifications).

Dr. Peter K. Rogan Lab, Western University
No classification provided (evidence only). Condition: Familial cancer of breast. Review status: no classification provided. Collection method: in vitro. Allele origin: not applicable. Functional consequence: retained intron. Not counted in ClinVar's aggregate classification.